The following is an entry in ClinVar:

NM_032833.5(PPP1R15B):c.111G>A (p.Pro37=)

Gene: PPP1R15B (protein phosphatase 1 regulatory subunit 15B; minus strand). Cytogenetic location: 1q32.1.
Variant type: single nucleotide variant.
Coding change: c.111G>A on transcript NM_032833.5 (MANE Select); coding-DNA position 111, G replaced by A.
Protein change: p.Pro37=; no amino-acid change (proline 37 retained).
Molecular consequence: synonymous variant.
Genome position (GRCh38, 1-based): chr1:204,411,301, C>T on the plus strand (G>A on the coding strand, the complement: PPP1R15B is on the minus strand). VCF-style: chr1-204411301-C-T. GRCh37 (hg19) VCF-style: chr1-204380429-C-T.
Identifiers: ClinVar variation 4874273 (VCV004874273.2).

ClinVar aggregate classification (germline): Likely benign (1 of 4 stars; one submission).

Submission:

CeGaT Center for Human Genetics Tuebingen
Classification: Likely benign. Last evaluated: 2026-05-01. Review status: criteria provided, single submitter. Criteria: CeGaT Center For Human Genetics Tuebingen Variant Classification Criteria Version 2. Collection method: clinical testing. Allele origin: germline. Affected: yes. Observed: 1 variant allele.
Comment: PPP1R15B: BP4, BP7